The following is an entry in ClinVar:

NM_001375808.2(LPIN2):c.1456+5G>A

Gene: LPIN2 (lipin 2; minus strand). Cytogenetic location: 18p11.31.
Variant type: single nucleotide variant.
Coding change: c.1456+5G>A on transcript NM_001375808.2 (MANE Select); 5 bases into the intron after coding-DNA position 1456, G replaced by A.
Molecular consequence: intron variant.
Genome position (GRCh38, 1-based): chr18:2,931,251, C>T on the plus strand (G>A on the coding strand, the complement: LPIN2 is on the minus strand). VCF-style: chr18-2931251-C-T. GRCh37 (hg19) VCF-style: chr18-2931249-C-T.
Other names: c.1456+5G>A (NM_014646.2, NM_001375809.1).
Identifiers: ClinVar variation 1022864 (VCV001022864.4), dbSNP rs767379049, ClinGen allele CA8873106.
Genomic context (GRCh38, chr18:2,931,251, plus strand): 5'-GTTTTAACCAAGTGATGACCAGATTGCTCTCTGAAATGAAGATGGGGCACAAACACCCAA[C>T]GTACCTTTTGAAATTTCTCCATTTTCACTGAGGCCCCCGCAAAGGGAGAGGGTAACGTCA-3'

ClinVar aggregate classification (germline): Uncertain significance (1 of 4 stars; one submission).

Conditions:
Majeed syndrome (MJDS). Also called: CHRONIC RECURRENT MULTIFOCAL OSTEOMYELITIS 1, WITH CONGENITAL DYSERYTHROPOIETIC ANEMIA, WITH OR WITHOUT NEUTROPHILIC DERMATOSIS; LPIN2-Related Majeed Syndrome. Identifiers: Orphanet 77297, MedGen C1864997, MONDO:0012316, OMIM 609628.

Allele frequency attached by ClinVar (database versions not stated): TOPMed 0.00002.
gnomAD v4.1: 30 of 1,614,032 alleles (0.0019%); highest among the groups gnomAD compares: Middle Eastern, 0.016%; no homozygotes.

Submission:

Labcorp Genetics (formerly Invitae), Labcorp
Classification: Uncertain significance for Majeed syndrome. Last evaluated: 2022-02-11. Review status: criteria provided, single submitter. Criteria: Invitae Variant Classification Sherloc (09022015). Collection method: clinical testing. Allele origin: germline.
Comment: This sequence change falls in intron 9 of the LPIN2 gene. It does not directly change the encoded amino acid sequence of the LPIN2 protein. It affects a nucleotide within the consensus splice site. This variant is present in population databases (rs767379049, gnomAD 0.01%). This variant has not been reported in the literature in individuals affected with LPIN2-related conditions. ClinVar contains an entry for this variant (Variation ID: 1022864). Variants that disrupt the consensus splice site are a relatively common cause of aberrant splicing (PMID: 17576681, 9536098). Algorithms developed to predict the effect of sequence changes on RNA splicing suggest that this variant may disrupt the consensus splice site. In summary, the available evidence is currently insufficient to determine the role of this variant in disease. Therefore, it has been classified as a Variant of Uncertain Significance.

Literature cited by the submitters: PubMed 17576681; PubMed 9536098.